The following is an entry in ClinVar:

NM_030912.3(TRIM8):c.989C>T (p.Ser330Phe)

Gene: TRIM8 (tripartite motif containing 8; plus strand). Cytogenetic location: 10q24.32.
Variant type: single nucleotide variant.
Coding change: c.989C>T on transcript NM_030912.3 (MANE Select); coding-DNA position 989, C replaced by T.
Protein change: p.Ser330Phe; replaces serine 330 with phenylalanine.
Molecular consequence: missense variant. On other transcripts: non-coding transcript variant (1).
Genome position (GRCh38, 1-based): chr10:102,656,326, C>T. VCF-style: chr10-102656326-C-T. GRCh37 (hg19) VCF-style: chr10-104416083-C-T.
Other names: c.893C>T, p.Ser298Phe (NM_001345950.1); short protein forms S298F, S330F.
Identifiers: ClinVar variation 4848045 (VCV004848045.1).

ClinVar aggregate classification (germline): Uncertain significance (1 of 4 stars; one submission).

Submission:

Women's Health and Genetics/Laboratory Corporation of America, LabCorp
Classification: Uncertain significance. Last evaluated: 2026-02-04. Review status: criteria provided, single submitter. Criteria: LabCorp Variant Classification Summary - May 2015. Collection method: clinical testing. Allele origin: germline.
Comment: Variant summary: TRIM8 c.989C>T (p.Ser330Phe) results in a non-conservative amino acid change in the encoded protein sequence. Algorithms developed to predict the effect of missense changes on protein structure and function are either unavailable or do not agree on the potential impact of this missense change. The variant was absent in 251326 control chromosomes. The available data on variant occurrences in the general population are insufficient to allow any conclusion about variant significance. To our knowledge, no occurrence of c.989C>T in individuals affected with TRIM8-related conditions and no experimental evidence demonstrating its impact on protein function have been reported. No submitters have cited clinical-significance assessments for this variant to ClinVar. Based on the evidence outlined above, the variant was classified as uncertain significance.